The following is an entry in ClinVar:

ClinVar aggregate classification (germline): Benign. Review status: criteria provided, single submitter (1 of 4 stars). 2 submissions from 2 submitters: Benign (1). 1 of the submissions does not count toward it. Last evaluated 2019-12-31.

Conditions:
CFAP43-related disorder. Also called: CFAP43-related condition.

Allele frequency attached by ClinVar (database versions not stated): ESP Exome Variant Server 0.00008; gnomAD exomes 0.00011 and 0.00030; gnomAD 0.00015 and 0.00016; 1000 Genomes Project 30x 0.00016; 1000 Genomes Project 0.00020; TOPMed 0.00023; ExAC 0.00034.
gnomAD v4.1: 179 of 1,509,560 alleles (0.012%); highest among the groups gnomAD compares: East Asian, 0.23%; 3 homozygotes.

Submissions (2):

Labcorp Genetics (formerly Invitae), Labcorp
Classification: Benign. Last evaluated: 2019-12-31. Review status: criteria provided, single submitter. Criteria: Invitae Variant Classification Sherloc (09022015). Collection method: clinical testing. Allele origin: germline.

PreventionGenetics, part of Exact Sciences
Classification: Likely benign for CFAP43-related condition. Last evaluated: 2019-05-03. Review status: no assertion criteria provided. Collection method: clinical testing. Allele origin: germline. Not counted in ClinVar's aggregate classification.
Comment: This variant is classified as likely benign based on ACMG/AMP sequence variant interpretation guidelines (Richards et al. 2015 PMID: 25741868, with internal and published modifications).

NM_025145.7(CFAP43):c.1869C>T (p.Thr623=)

Gene: CFAP43 (cilia and flagella associated protein 43; minus strand). Cytogenetic location: 10q25.1.
Variant type: single nucleotide variant.
Coding change: c.1869C>T on transcript NM_025145.7 (MANE Select); coding-DNA position 1869, C replaced by T.
Protein change: p.Thr623=; no amino-acid change (threonine 623 retained).
Molecular consequence: synonymous variant.
Genome position (GRCh38, 1-based): chr10:104,186,115, G>A on the plus strand (C>T on the coding strand, the complement: CFAP43 is on the minus strand). VCF-style: chr10-104186115-G-A. GRCh37 (hg19) VCF-style: chr10-105945873-G-A.
Other names: c.1869C>T (NM_025145.6).
Identifiers: ClinVar variation 713246 (VCV000713246.6), dbSNP rs148551424, ClinGen allele CA5680781.